The following is an entry in ClinVar:

NM_000197.2(HSD17B3):c.239G>A (p.Arg80Gln)

Genes: HSD17B3 (hydroxysteroid 17-beta dehydrogenase 3; minus strand), SLC35D2-HSD17B3 (SLC35D2-HSD17B3 readthrough; minus strand). Cytogenetic location: 9q22.32.
Variant type: single nucleotide variant.
Coding change: c.239G>A on transcript NM_000197.2 (MANE Select); coding-DNA position 239, G replaced by A.
Protein change: p.Arg80Gln; replaces arginine 80 with glutamine.
Molecular consequence: missense variant.
Genome position (GRCh38, 1-based): chr9:96,254,906, C>T on the plus strand (G>A on the coding strand, the complement: HSD17B3 is on the minus strand). VCF-style: chr9-96254906-C-T. GRCh37 (hg19) VCF-style: chr9-99017188-C-T.
Other names: short protein forms R80Q.
Identifiers: ClinVar variation 4874 (VCV000004874.21), dbSNP rs119481075, ClinGen allele CA117112.

ClinVar aggregate classification (germline): Pathogenic. Review status: criteria provided, multiple submitters, no conflicts (2 of 4 stars). 10 submissions from 10 submitters: Pathogenic (8). 2 of the submissions do not count toward it. Last evaluated 2025-10-21.

Conditions:
Differences in sex development.
Pseudohermaphroditism. Identifiers: MedGen C0033804, MONDO:0005518.
HSD17B3-related disorder. Also called: HSD17B3-related condition.
Testosterone 17-beta-dehydrogenase deficiency. Also called: 17 alpha ketosteroid reductase deficiency of testis; 17 alpha KSR deficiency; Neutral 17 beta hydroxysteroid oxidoreductase deficiency; Male pseudoherma-phroditism with gynecomastia; 17-beta hydroxysteroid dehydrogenase 3 deficiency; 46,XY disorder of sex development due to 17-beta-hydroxysteroid dehydrogenase 3 deficiency. Identifiers: Orphanet 752, MedGen C0268296, MONDO:0009916, OMIM 264300. Disease mechanism: loss of function.

Allele frequency attached by ClinVar (database versions not stated): ExAC 0.00005; gnomAD exomes 0.00009 and 0.00015; 1000 Genomes Project 30x 0.00031; gnomAD 0.00009; TOPMed 0.00015.
gnomAD v4.1: 224 of 1,613,992 alleles (0.014%); highest among the groups gnomAD compares: Middle Eastern, 0.033%; no homozygotes.

Submissions (10):

NHS Central & South Genomic Laboratory Hub
Classification: Pathogenic for Differences in sex development. Last evaluated: 2025-10-21. Review status: criteria provided, single submitter. Criteria: ACMG Guidelines, 2015. Collection method: clinical testing. Allele origin: germline. Affected: yes.

First Genomix Gene Laboratory, Genetic Diagnostics Department
Classification: Pathogenic for Testosterone 17-beta-dehydrogenase deficiency. Last evaluated: 2025-05-27. Review status: criteria provided, single submitter. Criteria: ACMG Guidelines, 2015. Collection method: clinical testing. Allele origin: germline. Inheritance: Autosomal recessive inheritance. Affected: no. Observed: 1 variant allele.

Labcorp Genetics (formerly Invitae), Labcorp
Classification: Pathogenic. Last evaluated: 2024-11-19. Review status: criteria provided, single submitter. Criteria: Invitae Variant Classification Sherloc (09022015). Collection method: clinical testing. Allele origin: germline.
Comment: This sequence change replaces arginine, which is basic and polar, with glutamine, which is neutral and polar, at codon 80 of the HSD17B3 protein (p.Arg80Gln). This variant is present in population databases (rs119481075, gnomAD 0.01%). This missense change has been observed in individuals with 17-beta hydroxysteroid dehydrogenase 3 deficiency (PMID: 8626842, 17551466, 22445608, 23295294, 24025597). It has also been observed to segregate with disease in related individuals. ClinVar contains an entry for this variant (Variation ID: 4874). Invitae Evidence Modeling of protein sequence and biophysical properties (such as structural, functional, and spatial information, amino acid conservation, physicochemical variation, residue mobility, and thermodynamic stability) indicates that this missense variant is expected to disrupt HSD17B3 protein function with a positive predictive value of 80%. Experimental studies have shown that this missense change affects HSD17B3 function (PMID: 8075637, 12429500). For these reasons, this variant has been classified as Pathogenic.

Blueprint Genetics
Classification: Pathogenic for HSD17B3-related disorders. Last evaluated: 2024-08-30. Review status: criteria provided, single submitter. Criteria: ACMG Guidelines, 2015. Collection method: clinical testing. Allele origin: germline. Affected: yes. Observed: 5 variant alleles.

Victorian Clinical Genetics Services, Murdoch Childrens Research Institute
Classification: Pathogenic for Testosterone 17-beta-dehydrogenase deficiency. Last evaluated: 2023-07-17. Review status: criteria provided, single submitter. Criteria: ACMG Guidelines, 2015. Collection method: clinical testing. Allele origin: germline. Inheritance: Autosomal recessive inheritance. Affected: yes.
Comment: Based on the classification scheme VCGS_Germline_v1.3.4, this variant is classified as Pathogenic. Following criteria are met: 0102 - Loss of function is a known mechanism of disease in this gene and is associated with pseudohermaphroditism, male, with gynecomastia (MIM#264300). (I) 0106 - This gene is associated with autosomal recessive disease. (I) 0200 - Variant is predicted to result in a missense amino acid change from arginine to glutamine. (I) 0251 - This variant is heterozygous. (I) 0304 - Variant is present in gnomAD <0.01 for a recessive condition (v2: 22 heterozygotes, 0 homozygotes). (SP) 0309 - An alternative amino acid change at the same position has been observed in gnomAD (v2: 8 heterozygotes, 0 homozygotes). (I) 0501 - Missense variant consistently predicted to be damaging by multiple in silico tools or highly conserved with a major amino acid change. (SP) 0600 - Variant is located in the annotated short chain dehydrogenase domain (DECIPHER). (I) 0801 - This variant has strong previous evidence of pathogenicity in unrelated individuals. It has been reported in at least ten individuals with differences of sex development, both as homozygotes or compound heterozygotes; and consistently classified as pathogenic by diagnostic laboratories in ClinVar (PMIDs: 22445608, 27898418, 36606580). (SP) 1208 - Inheritance information for this variant is not currently available in this individual. (I) Legend: (SP) - Supporting pathogenic, (I) - Information, (SB) - Supporting benign

GeneDx
Classification: Pathogenic. Last evaluated: 2022-03-07. Review status: criteria provided, single submitter. Criteria: GeneDx Variant Classification Process June 2021. Collection method: clinical testing. Allele origin: germline. Affected: yes.
Comment: Published functional studies demonstrate a significant reduction in enzyme activity (Geissler et al., 1994); In silico analysis supports that this missense variant has a deleterious effect on protein structure/function; In-silico analysis is inconclusive as to whether the variant alters gene splicing. In the absence of RNA/functional studies, the actual effect of this sequence change is unknown.; This variant is associated with the following publications: (PMID: 25383892, 8075637, 23295294, 22857144, 22445608, 10599740, 27163392, 29566152, 33984517, 8626842, 31589614, 33144682, 33516834, 33586216)

Fulgent Genetics
Classification: Pathogenic for Testosterone 17-beta-dehydrogenase deficiency. Last evaluated: 2021-07-25. Review status: criteria provided, single submitter. Criteria: ACMG Guidelines, 2015. Collection method: clinical testing. Allele origin: unknown.

Revvity Omics, Revvity
Classification: Pathogenic for Testosterone 17-beta-dehydrogenase deficiency. Last evaluated: 2019-08-13. Review status: criteria provided, single submitter. Criteria: ACMG Guidelines, 2015. Collection method: clinical testing. Allele origin: germline.

Clinical Molecular Genetics Laboratory, Johns Hopkins All Children's Hospital
Classification: Pathogenic for Pseudohermaphroditism. Last evaluated: 2007-07-13. Review status: no assertion criteria provided. Collection method: clinical testing. Allele origin: germline. Affected: yes. Not counted in ClinVar's aggregate classification.

OMIM
Classification: Pathogenic for 17-BETA HYDROXYSTEROID DEHYDROGENASE III DEFICIENCY. Last evaluated: 1996-05-01. Review status: no assertion criteria provided. Collection method: literature only. Allele origin: germline. Not counted in ClinVar's aggregate classification.

Literature cited by the submitters: PubMed 8626842 (cited by Labcorp Genetics (formerly Invitae), Labcorp and OMIM); PubMed 17551466 (cited by Labcorp Genetics (formerly Invitae), Labcorp); PubMed 22445608 (cited by Labcorp Genetics (formerly Invitae), Labcorp and Victorian Clinical Genetics Services, Murdoch Childrens Research Institute); PubMed 23295294 (cited by Labcorp Genetics (formerly Invitae), Labcorp); PubMed 24025597 (cited by Labcorp Genetics (formerly Invitae), Labcorp); PubMed 8075637 (cited by Labcorp Genetics (formerly Invitae), Labcorp and OMIM); PubMed 12429500 (cited by Labcorp Genetics (formerly Invitae), Labcorp); PubMed 27898418 (cited by Victorian Clinical Genetics Services, Murdoch Childrens Research Institute); PubMed 36606580 (cited by Victorian Clinical Genetics Services, Murdoch Childrens Research Institute); Kohn, G., Lasch, E. E., El-Shawwa, R., Elrayyes, E., Litvin, Y., Rosler, A. Male pseudohermaphroditism due to 17-beta-hydroxysteroid dehydrogenase deficiency (17-beta-HSD) in a large Arab kinship: studies on the natural history of the defect. J. Pediat. Endocr. 1: 29-37, 1985. (cited by OMIM); PubMed 2918056 (cited by OMIM).